The following is an entry in ClinVar:

NM_005477.3(HCN4):c.2270A>G (p.His757Arg)

Gene: HCN4 (hyperpolarization activated cyclic nucleotide gated potassium channel 4; minus strand). Cytogenetic location: 15q24.1.
Variant type: single nucleotide variant.
Coding change: c.2270A>G on transcript NM_005477.3 (MANE Select); coding-DNA position 2270, A replaced by G.
Protein change: p.His757Arg; replaces histidine 757 with arginine.
Molecular consequence: missense variant.
Genome position (GRCh38, 1-based): chr15:73,323,823, T>C on the plus strand (A>G on the coding strand, the complement: HCN4 is on the minus strand). VCF-style: chr15-73323823-T-C. GRCh37 (hg19) VCF-style: chr15-73616164-T-C.
Other names: short protein forms H757R.
Identifiers: ClinVar variation 3665579 (VCV003665579.2).

ClinVar aggregate classification (germline): Uncertain significance (1 of 4 stars; one submission).

Conditions:
Brugada syndrome 8 (BRGDA8). Identifiers: Orphanet 130, MedGen C2751083, MONDO:0013148, OMIM 613123.

Submission:

Labcorp Genetics (formerly Invitae), Labcorp
Classification: Uncertain significance for Brugada syndrome 8. Last evaluated: 2024-10-17. Review status: criteria provided, single submitter. Criteria: Invitae Variant Classification Sherloc (09022015). Collection method: clinical testing. Allele origin: germline.
Comment: This sequence change replaces histidine, which is basic and polar, with arginine, which is basic and polar, at codon 757 of the HCN4 protein (p.His757Arg). This variant is not present in population databases (gnomAD no frequency). This variant has not been reported in the literature in individuals affected with HCN4-related conditions. Invitae Evidence Modeling of protein sequence and biophysical properties (such as structural, functional, and spatial information, amino acid conservation, physicochemical variation, residue mobility, and thermodynamic stability) indicates that this missense variant is not expected to disrupt HCN4 protein function with a negative predictive value of 95%. In summary, the available evidence is currently insufficient to determine the role of this variant in disease. Therefore, it has been classified as a Variant of Uncertain Significance.